The following is an entry in ClinVar:

NM_058216.3(RAD51C):c.214A>G (p.Lys72Glu)

Gene: RAD51C (RAD51 paralog C; plus strand). Cytogenetic location: 17q22.
Variant type: single nucleotide variant.
Coding change: c.214A>G on transcript NM_058216.3 (MANE Select); coding-DNA position 214, A replaced by G.
Protein change: p.Lys72Glu; replaces lysine 72 with glutamic acid.
Molecular consequence: missense variant. On other transcripts: non-coding transcript variant (2).
Genome position (GRCh38, 1-based): chr17:58,694,999, A>G. VCF-style: chr17-58694999-A-G. GRCh37 (hg19) VCF-style: chr17-56772360-A-G.
Other names: c.214A>G, p.Lys72Glu (NM_002876.4); short protein forms K72E.
Identifiers: ClinVar variation 480490 (VCV000480490.20), dbSNP rs775224480, ClinGen allele CA8677185.

ClinVar aggregate classification (germline): Conflicting classifications of pathogenicity. Review status: criteria provided, conflicting classifications (1 of 4 stars). 6 submissions from 6 submitters: Uncertain significance (5); Benign (1). Last evaluated 2026-01-12.

Conditions:
Hereditary cancer-predisposing syndrome. Also called: Hereditary neoplastic syndrome; Neoplastic Syndromes, Hereditary; Tumor predisposition; Hereditary Cancer Syndrome. Identifiers: Orphanet 140162, MedGen C0027672, MeSH D009386, MONDO:0015356.
Breast-ovarian cancer, familial, susceptibility to, 3. Also called: RAD51C-Related Breast/Ovarian Cancer. Identifiers: Orphanet 145, MedGen C3150659, MONDO:0013253, OMIM 613399.
Fanconi anemia complementation group O. Also called: RAD51C-Related Fanconi Anemia. Identifiers: Orphanet 84, MedGen C3150653, MONDO:0013248, OMIM 613390.

Allele frequency attached by ClinVar (database versions not stated): ExAC 0.00001; gnomAD exomes 0.00001.
gnomAD v4.1: 4 of 1,614,156 alleles (0.00025%); highest among the groups gnomAD compares: Non-Finnish European, 0.00034%; no homozygotes.

Submissions (6):

Labcorp Genetics (formerly Invitae), Labcorp
Classification: Uncertain significance for Fanconi anemia complementation group O. Last evaluated: 2026-01-12. Review status: criteria provided, single submitter. Criteria: Invitae Variant Classification Sherloc (09022015). Collection method: clinical testing. Allele origin: germline.
Comment: This sequence change replaces lysine, which is basic and polar, with glutamic acid, which is acidic and polar, at codon 72 of the RAD51C protein (p.Lys72Glu). This variant is present in population databases (rs775224480, gnomAD 0.002%). This variant has not been reported in the literature in individuals affected with RAD51C-related conditions. ClinVar contains an entry for this variant (Variation ID: 480490). An algorithm developed to predict the effect of missense changes on protein structure and function (PolyPhen-2) suggests that this variant is likely to be tolerated. In summary, the available evidence is currently insufficient to determine the role of this variant in disease. Therefore, it has been classified as a Variant of Uncertain Significance.

Ambry Genetics
Classification: Benign for Hereditary cancer-predisposing syndrome. Last evaluated: 2025-10-17. Review status: criteria provided, single submitter. Criteria: Ambry Variant Classification Scheme 2023. Collection method: clinical testing. Allele origin: germline.

Quest Diagnostics Nichols Institute San Juan Capistrano
Classification: Uncertain significance. Last evaluated: 2022-12-23. Review status: criteria provided, single submitter. Criteria: Quest Diagnostics criteria. Collection method: clinical testing. Allele origin: unknown.
Comment: The variant has not been reported in the published literature. The frequency of this variant in the general population, 0.000008 (2/251460 chromosomes), is uninformative in assessment of its pathogenicity. Analysis of this variant using bioinformatics tools for the prediction of the effect of amino acid changes on protein structure and function yielded predictions that this variant is benign. Based on the available information, we are unable to determine the clinical significance of this variant.

Fulgent Genetics
Classification: Uncertain significance for Fanconi anemia complementation group O; Breast-ovarian cancer, familial, susceptibility to, 3. Last evaluated: 2022-05-13. Review status: criteria provided, single submitter. Criteria: ACMG Guidelines, 2015. Collection method: clinical testing. Allele origin: unknown.

Sema4
Classification: Uncertain significance for Hereditary cancer-predisposing syndrome. Last evaluated: 2022-02-10. Review status: criteria provided, single submitter. Criteria: Sema4 Curation Guidelines. Collection method: curation. Allele origin: germline.
Comment: The RAD51C c.214A>G (p.K72E) variant has not been reported in the literature to our knowledge. This variant was observed in 2/113744 chromosomes of the Non-Finnish European subpopulation in the large and broad cohorts of the Genome Aggregation Database (PMID: 32461654). This variant has been reported in ClinVar (Variation ID: 480490). Functional studies have not been performed, and in silico predictions of the variant's effect on protein function are inconclusive. The evidence is insufficient to meet ACMG/AMP criteria for classifying the variant as benign or pathogenic. Thus, the clinical significance of this variant is currently uncertain.

Color Diagnostics, LLC DBA Color Health
Classification: Uncertain significance for Hereditary cancer-predisposing syndrome. Last evaluated: 2021-01-20. Review status: criteria provided, single submitter. Criteria: ACMG Guidelines, 2015. Collection method: clinical testing. Allele origin: germline.
Comment: This missense variant replaces lysine with glutamic acid at codon 72 of the RAD51C protein. Computational prediction suggests that this variant may not impact protein structure and function (internally defined REVEL score threshold <= 0.5, PMID: 27666373). To our knowledge, functional studies have not been reported for this variant. This variant has not been reported in individuals affected with hereditary cancer in the literature. This variant has been identified in 2/251460 chromosomes in the general population by the Genome Aggregation Database (gnomAD). The available evidence is insufficient to determine the role of this variant in disease conclusively. Therefore, this variant is classified as a Variant of Uncertain Significance.

Literature cited by the submitters: PubMed 37253112 (cited by Ambry Genetics).